The following is an entry in ClinVar:

ClinVar aggregate classification (germline): Uncertain significance (1 of 4 stars; one submission).

Allele frequency attached by ClinVar (database versions not stated): TOPMed 0.00001; ExAC 0.00014; gnomAD exomes 0.00004; gnomAD 0.00001.
gnomAD v4.1: 69 of 1,613,962 alleles (0.0043%); highest among the groups gnomAD compares: South Asian, 0.055%; 2 homozygotes.

Submission:

Labcorp Genetics (formerly Invitae), Labcorp
Classification: Uncertain significance. Last evaluated: 2025-12-15. Review status: criteria provided, single submitter. Criteria: Invitae Variant Classification Sherloc (09022015). Collection method: clinical testing. Allele origin: germline.
Comment: This sequence change replaces proline, which is neutral and non-polar, with leucine, which is neutral and non-polar, at codon 184 of the IL18BP protein (p.Pro184Leu). This variant is present in population databases (rs760390337, gnomAD 0.08%), and has an allele count higher than expected for a pathogenic variant. This variant has not been reported in the literature in individuals affected with IL18BP-related conditions. ClinVar contains an entry for this variant (Variation ID: 1976829). An algorithm developed to predict the effect of missense changes on protein structure and function (PolyPhen-2) suggests that this variant is likely to be tolerated. Experimental studies have shown that this missense change does not substantially affect IL18BP function (PMID: 31213488). In summary, the available evidence is currently insufficient to determine the role of this variant in disease. Therefore, it has been classified as a Variant of Uncertain Significance.

Literature cited by the submitters: PubMed 31213488.

NM_001039660.2(IL18BP):c.551C>T (p.Pro184Leu)

Gene: IL18BP (interleukin 18 binding protein; plus strand). Cytogenetic location: 11q13.4.
Variant type: single nucleotide variant.
Coding change: c.551C>T on transcript NM_001039660.2 (MANE Select); coding-DNA position 551, C replaced by T.
Protein change: p.Pro184Leu; replaces proline 184 with leucine.
Molecular consequence: missense variant. On other transcripts: synonymous variant (2), 3 prime UTR variant (1).
Genome position (GRCh38, 1-based): chr11:72,001,827, C>T. VCF-style: chr11-72001827-C-T. GRCh37 (hg19) VCF-style: chr11-71712873-C-T.
Other names: c.551C>T, p.Pro184Leu (NM_001039659.2, NM_001145057.1, NM_173042.2); c.279C>T, p.Ala93= (NM_001145055.1); c.*182C>T (NM_005699.3); c.423C>T, p.Ala141= (NM_173044.3); short protein forms P184L.
Identifiers: ClinVar variation 1976829 (VCV001976829.5), dbSNP rs760390337, ClinGen allele CA6166318.